The following is an entry in ClinVar:

NM_020738.4(KIDINS220):c.3243G>A (p.Pro1081=)

Gene: KIDINS220 (kinase D interacting substrate 220; minus strand). Cytogenetic location: 2p25.1.
Variant type: single nucleotide variant.
Coding change: c.3243G>A on transcript NM_020738.4 (MANE Select); coding-DNA position 3243, G replaced by A.
Protein change: p.Pro1081=; no amino-acid change (proline 1081 retained).
Molecular consequence: synonymous variant. On other transcripts: non-coding transcript variant (2).
Genome position (GRCh38, 1-based): chr2:8,750,283, C>T on the plus strand (G>A on the coding strand, the complement: KIDINS220 is on the minus strand). VCF-style: chr2-8750283-C-T. GRCh37 (hg19) VCF-style: chr2-8890413-C-T.
Other names: c.3246G>A, p.Pro1082= (NM_001348729.2, NM_001348731.2, NM_001348734.2 and 2 more transcripts); c.3243G>A, p.Pro1081= (NM_001348732.2, NM_001348735.2, NM_001348738.2 and 3 more transcripts); c.3117G>A, p.Pro1039= (NM_001348736.2); c.3243G>A (NM_020738.2).
Identifiers: ClinVar variation 1621739 (VCV001621739.13), dbSNP rs376079231, ClinGen allele CA1519721.
Genomic context (GRCh38, chr2:8,750,283, plus strand): 5'-CACGGATGGGGGCTGGCTGTACCCTGATGGCGCCCTAGGAGGACCCTCATGTAGAGGGAG[C>T]GGGGGGTACGCCAGTCCTCCAATACTGATCTGCTCTCTGGCAGCACGAACATCTGAAAGA-3'
Protein context (NP_065789.1, residues 1071-1091): QISIGGLAYP[Pro1081=]LPLHEGPPRA

ClinVar aggregate classification (germline): Likely benign. Review status: criteria provided, multiple submitters, no conflicts (2 of 4 stars). 4 submissions from 4 submitters: Likely benign (3). 1 of the submissions does not count toward it. Last evaluated 2024-07-23.

Conditions:
KIDINS220-related disorder. Also called: KIDINS220-related condition.

Allele frequency attached by ClinVar (database versions not stated): ExAC 0.00001; gnomAD exomes 0.00001; TOPMed 0.00002; gnomAD 0.00003 and 0.00004; ESP Exome Variant Server 0.00008.
gnomAD v4.1: 62 of 1,612,822 alleles (0.0038%); highest among the groups gnomAD compares: Non-Finnish European, 0.0049%; no homozygotes.

Submissions (4):

Labcorp Genetics (formerly Invitae), Labcorp
Classification: Likely benign. Last evaluated: 2024-07-23. Review status: criteria provided, single submitter. Criteria: Invitae Variant Classification Sherloc (09022015). Collection method: clinical testing. Allele origin: germline.

Women's Health and Genetics/Laboratory Corporation of America, LabCorp
Classification: Likely benign. Last evaluated: 2024-03-05. Review status: criteria provided, single submitter. Criteria: LabCorp Variant Classification Summary - May 2015. Collection method: clinical testing. Allele origin: germline.

Blueprint Genetics
Classification: Likely benign. Last evaluated: 2024-02-06. Review status: criteria provided, single submitter. Criteria: ACMG Guidelines, 2015. Collection method: clinical testing. Allele origin: germline.

PreventionGenetics, part of Exact Sciences
Classification: Likely benign for KIDINS220-related condition. Last evaluated: 2021-12-22. Review status: no assertion criteria provided. Collection method: clinical testing. Allele origin: germline. Not counted in ClinVar's aggregate classification.
Comment: This variant is classified as likely benign based on ACMG/AMP sequence variant interpretation guidelines (Richards et al. 2015 PMID: 25741868, with internal and published modifications).